The following is an entry in ClinVar:

ClinVar aggregate classification (germline): Uncertain significance (1 of 4 stars; one submission).

Conditions:
Deafness, X-linked 5 (DFNX5). Also called: DEAFNESS, X-LINKED 5, WITH PERIPHERAL NEUROPATHY; AUDITORY NEUROPATHY, X-LINKED, 1, WITH PERIPHERAL SENSORY NEUROPATHY. Identifiers: Orphanet 139583, MedGen C1845095, OMIM 300614.

Allele frequency attached by ClinVar (database versions not stated): gnomAD exomes below 0.00001.
gnomAD v4.1: 2 of 1,211,546 alleles (0.00017%); highest among the groups gnomAD compares: South Asian, 0.0018%; no homozygotes.

Submission:

3billion
Classification: Uncertain significance for Deafness, X-linked 5. Last evaluated: 2022-01-03. Review status: criteria provided, single submitter. Criteria: ACMG Guidelines, 2015. Collection method: clinical testing. Allele origin: germline. Affected: yes. Observed: 1 heterozygote.
Comment: The variant is not observed in the gnomAD v2.1.1 dataset (PM2_M). In silico tool predictions suggest damaging effect of the variant on gene or gene product (REVEL: 0.645, PP3_P). A missense variant is a common mechanism associated with Deafness (PP2_P). Therefore, this variant is classified as uncertain significance according to the recommendation of ACMG/AMP guideline.

NM_004208.4(AIFM1):c.994C>G (p.Gln332Glu)

Genes: AIFM1 (apoptosis inducing factor mitochondria associated 1; minus strand), RAB33A (RAB33A, member RAS oncogene family; plus strand). Cytogenetic location: Xq26.1.
Variant type: single nucleotide variant.
Coding change: c.994C>G on transcript NM_004208.4 (MANE Select); coding-DNA position 994, C replaced by G.
Protein change: p.Gln332Glu; replaces glutamine 332 with glutamic acid.
Molecular consequence: missense variant. On other transcripts: 5 prime UTR variant (1), 3 prime UTR variant (1), non-coding transcript variant (1).
Genome position (GRCh38, 1-based): chrX:130,137,159, G>C on the plus strand (C>G on the coding strand, the complement: AIFM1 is on the minus strand). VCF-style: chrX-130137159-G-C. GRCh37 (hg19) VCF-style: chrX-129271134-G-C.
Other names: c.-24C>G (NM_001130846.4); c.*222C>G (NM_001130847.4); c.982C>G, p.Gln328Glu (NM_145812.3); short protein forms Q328E, Q332E.
Identifiers: ClinVar variation 1333526 (VCV001333526.1), dbSNP rs2124653092, ClinGen allele CA414579993.